The following is an entry in ClinVar:

ClinVar aggregate classification (germline): Likely benign. Review status: criteria provided, multiple submitters, no conflicts (2 of 4 stars). 2 submissions from 2 submitters: Likely benign (2). Last evaluated 2024-03-15.

Allele frequency attached by ClinVar (database versions not stated): TOPMed 0.00002; ESP Exome Variant Server 0.00015.
gnomAD v4.1: 28 of 1,613,784 alleles (0.0017%); highest among the groups gnomAD compares: Non-Finnish European, 0.0019%; no homozygotes.

Submissions (2):

Labcorp Genetics (formerly Invitae), Labcorp
Classification: Likely benign. Last evaluated: 2024-03-15. Review status: criteria provided, single submitter. Criteria: Invitae Variant Classification Sherloc (09022015). Collection method: clinical testing. Allele origin: germline.

GeneDx
Classification: Likely benign. Last evaluated: 2016-10-14. Review status: criteria provided, single submitter. Criteria: GeneDx Variant Classification (06012015). Collection method: clinical testing. Allele origin: germline. Affected: yes.
Comment: This variant is considered likely benign or benign based on one or more of the following criteria: it is a conservative change, it occurs at a poorly conserved position in the protein, it is predicted to be benign by multiple in silico algorithms, and/or has population frequency not consistent with disease.

NM_005984.5(SLC25A1):c.777G>C (p.Thr259=)

Gene: SLC25A1 (solute carrier family 25 member 1; minus strand). Cytogenetic location: 22q11.21.
Variant type: single nucleotide variant.
Coding change: c.777G>C on transcript NM_005984.5 (MANE Select); coding-DNA position 777, G replaced by C.
Protein change: p.Thr259=; no amino-acid change (threonine 259 retained).
Molecular consequence: synonymous variant. On other transcripts: non-coding transcript variant (1).
Genome position (GRCh38, 1-based): chr22:19,176,465, C>G on the plus strand (G>C on the coding strand, the complement: SLC25A1 is on the minus strand). VCF-style: chr22-19176465-C-G. GRCh37 (hg19) VCF-style: chr22-19163978-C-G.
Other names: c.798G>C, p.Thr266= (NM_001256534.2); c.468G>C, p.Thr156= (NM_001287387.2).
Identifiers: ClinVar variation 389803 (VCV000389803.3), dbSNP rs201011707, ClinGen allele CA10097292.